The following is an entry in ClinVar:

NM_004239.4(TRIP11):c.1897C>A (p.Gln633Lys)

Gene: TRIP11 (thyroid hormone receptor interactor 11; minus strand). Cytogenetic location: 14q32.12.
Variant type: single nucleotide variant.
Coding change: c.1897C>A on transcript NM_004239.4 (MANE Select); coding-DNA position 1897, C replaced by A.
Protein change: p.Gln633Lys; replaces glutamine 633 with lysine.
Molecular consequence: missense variant.
Genome position (GRCh38, 1-based): chr14:92,006,079, G>T on the plus strand (C>A on the coding strand, the complement: TRIP11 is on the minus strand). VCF-style: chr14-92006079-G-T. GRCh37 (hg19) VCF-style: chr14-92472423-G-T.
Other names: c.1894C>A, p.Gln632Lys (NM_001321851.1); short protein forms Q632K, Q633K.
Identifiers: ClinVar variation 885481 (VCV000885481.8), dbSNP rs377170955, ClinGen allele CA7313862.

ClinVar aggregate classification (germline): Uncertain significance. Review status: criteria provided, multiple submitters, no conflicts (2 of 4 stars). 3 submissions from 3 submitters: Uncertain significance (3). Last evaluated 2024-08-28.

Conditions:
Inborn genetic diseases. Identifiers: MedGen C0950123, MeSH D030342.
Achondrogenesis, type IA (ACG1A). Identifiers: Orphanet 932, Orphanet 93299, MedGen C0265273, MONDO:0008701, OMIM 200600.

Allele frequency attached by ClinVar (database versions not stated): TOPMed below 0.00001; ExAC 0.00001; gnomAD 0.00001; gnomAD exomes 0.00001; ESP Exome Variant Server 0.00008.
gnomAD v4.1: 18 of 1,590,578 alleles (0.0011%); highest among the groups gnomAD compares: Non-Finnish European, 0.0015%; no homozygotes.

Submissions (3):

Labcorp Genetics (formerly Invitae), Labcorp
Classification: Uncertain significance for Achondrogenesis, type IA. Last evaluated: 2024-08-28. Review status: criteria provided, single submitter. Criteria: Invitae Variant Classification Sherloc (09022015). Collection method: clinical testing. Allele origin: germline.
Comment: This sequence change replaces glutamine, which is neutral and polar, with lysine, which is basic and polar, at codon 633 of the TRIP11 protein (p.Gln633Lys). The frequency data for this variant in the population databases is considered unreliable, as metrics indicate poor data quality at this position in the gnomAD database. This variant has not been reported in the literature in individuals affected with TRIP11-related conditions. ClinVar contains an entry for this variant (Variation ID: 885481). Invitae Evidence Modeling of protein sequence and biophysical properties (such as structural, functional, and spatial information, amino acid conservation, physicochemical variation, residue mobility, and thermodynamic stability) indicates that this missense variant is not expected to disrupt TRIP11 protein function with a negative predictive value of 80%. In summary, the available evidence is currently insufficient to determine the role of this variant in disease. Therefore, it has been classified as a Variant of Uncertain Significance.

Ambry Genetics
Classification: Uncertain significance for Inborn genetic diseases. Last evaluated: 2023-05-05. Review status: criteria provided, single submitter. Criteria: Ambry Variant Classification Scheme 2023. Collection method: clinical testing. Allele origin: germline.

Illumina Laboratory Services, Illumina
Classification: Uncertain significance for Achondrogenesis, type IA. Last evaluated: 2018-01-13. Review status: criteria provided, single submitter. Criteria: ICSL Variant Classification Criteria 13 December 2019. Collection method: clinical testing. Allele origin: germline.